The following is an entry in ClinVar:

ClinVar aggregate classification (germline): Uncertain significance (1 of 4 stars; one submission).

Allele frequency attached by ClinVar (database versions not stated): gnomAD exomes below 0.00001; ExAC 0.00001; gnomAD 0.00001; TOPMed 0.00001.
gnomAD v4.1: 6 of 1,613,870 alleles (0.00037%); highest among the groups gnomAD compares: African/African-American, 0.0013%; no homozygotes.

Submission:

Labcorp Genetics (formerly Invitae), Labcorp
Classification: Uncertain significance. Last evaluated: 2024-09-09. Review status: criteria provided, single submitter. Criteria: Invitae Variant Classification Sherloc (09022015). Collection method: clinical testing. Allele origin: germline.
Comment: This sequence change replaces arginine, which is basic and polar, with glutamine, which is neutral and polar, at codon 197 of the ITGAM protein (p.Arg197Gln). The frequency data for this variant in the population databases is considered unreliable, as metrics indicate poor data quality at this position in the gnomAD database. This variant has not been reported in the literature in individuals affected with ITGAM-related conditions. An algorithm developed to predict the effect of missense changes on protein structure and function outputs the following: PolyPhen-2: "Benign". The glutamine amino acid residue is found in multiple mammalian species, which suggests that this missense change does not adversely affect protein function. In summary, the available evidence is currently insufficient to determine the role of this variant in disease. Therefore, it has been classified as a Variant of Uncertain Significance.

NM_000632.4(ITGAM):c.590G>A (p.Arg197Gln)

Gene: ITGAM (integrin subunit alpha M; plus strand). Cytogenetic location: 16p11.2.
Variant type: single nucleotide variant.
Coding change: c.590G>A on transcript NM_000632.4 (MANE Select); coding-DNA position 590, G replaced by A.
Protein change: p.Arg197Gln; replaces arginine 197 with glutamine.
Molecular consequence: missense variant.
Genome position (GRCh38, 1-based): chr16:31,271,878, G>A. VCF-style: chr16-31271878-G-A. GRCh37 (hg19) VCF-style: chr16-31283199-G-A.
Other names: c.590G>A, p.Arg197Gln (NM_001145808.2); short protein forms R197Q.
Identifiers: ClinVar variation 2891738 (VCV002891738.3), dbSNP rs747914478, ClinGen allele CA8025283.